The following is an entry in ClinVar:

NM_201550.4(LRRC10):c.124C>T (p.Arg42Cys)

Gene: LRRC10 (leucine rich repeat containing 10; minus strand). Cytogenetic location: 12q15.
Variant type: single nucleotide variant.
Coding change: c.124C>T on transcript NM_201550.4 (MANE Select); coding-DNA position 124, C replaced by T.
Protein change: p.Arg42Cys; replaces arginine 42 with cysteine.
Molecular consequence: missense variant.
Genome position (GRCh38, 1-based): chr12:69,610,715, G>A on the plus strand (C>T on the coding strand, the complement: LRRC10 is on the minus strand). VCF-style: chr12-69610715-G-A. GRCh37 (hg19) VCF-style: chr12-70004495-G-A.
Other names: c.124C>T (NM_201550.2); short protein forms R42C.
Identifiers: ClinVar variation 2080890 (VCV002080890.7), dbSNP rs768421373, ClinGen allele CA6681136.

ClinVar aggregate classification (germline): Uncertain significance. Review status: criteria provided, multiple submitters, no conflicts (2 of 4 stars). 3 submissions from 3 submitters: Uncertain significance (3). Last evaluated 2025-06-01.

Allele frequency attached by ClinVar (database versions not stated): ExAC 0.00001; gnomAD 0.00001.

Submissions (3):

Labcorp Genetics (formerly Invitae), Labcorp
Classification: Uncertain significance. Last evaluated: 2025-06-01. Review status: criteria provided, single submitter. Criteria: Invitae Variant Classification Sherloc (09022015). Collection method: clinical testing. Allele origin: germline.
Comment: This sequence change replaces arginine, which is basic and polar, with cysteine, which is neutral and slightly polar, at codon 42 of the LRRC10 protein (p.Arg42Cys). This variant is present in population databases (rs768421373, gnomAD 0.003%). This variant has not been reported in the literature in individuals affected with LRRC10-related conditions. ClinVar contains an entry for this variant (Variation ID: 2080890). An algorithm developed to predict the effect of missense changes on protein structure and function outputs the following: PolyPhen-2: "Benign". The cysteine amino acid residue is found in multiple mammalian species, which suggests that this missense change does not adversely affect protein function. In summary, the available evidence is currently insufficient to determine the role of this variant in disease. Therefore, it has been classified as a Variant of Uncertain Significance.

Blueprint Genetics
Classification: Uncertain significance. Last evaluated: 2023-12-04. Review status: criteria provided, single submitter. Criteria: ACMG Guidelines, 2015. Collection method: clinical testing. Allele origin: germline.

Ambry Genetics
Classification: Uncertain significance. Last evaluated: 2023-05-09. Review status: criteria provided, single submitter. Criteria: Ambry Variant Classification Scheme 2023. Collection method: clinical testing. Allele origin: germline.